The following is an entry in ClinVar:

NM_000038.6(APC):c.1505G>A (p.Gly502Glu)

Gene: APC (APC regulator of Wnt signaling pathway; plus strand). Cytogenetic location: 5q22.2.
Variant type: single nucleotide variant.
Coding change: c.1505G>A on transcript NM_000038.6 (MANE Select); coding-DNA position 1505, G replaced by A.
Protein change: p.Gly502Glu; replaces glycine 502 with glutamic acid.
Molecular consequence: missense variant.
Genome position (GRCh38, 1-based): chr5:112,827,204, G>A. VCF-style: chr5-112827204-G-A. GRCh37 (hg19) VCF-style: chr5-112162901-G-A.
Other names: c.1232G>A, p.Gly411Glu (NM_001354902.2); c.1202G>A, p.Gly401Glu (NM_001354903.2); c.1127G>A, p.Gly376Glu (NM_001354904.2); c.1025G>A, p.Gly342Glu (NM_001354905.2); c.656G>A, p.Gly219Glu (NM_001354906.2); c.1505G>A, p.Gly502Glu (NM_001127510.3, NM_001354895.2); c.1451G>A, p.Gly484Glu (NM_001127511.3); c.1559G>A, p.Gly520Glu (NM_001354896.2); and 5 more; short protein forms G484E, G502E, G477E, G376E, G411E, G461E, G474E, G512E.
Identifiers: ClinVar variation 487046 (VCV000487046.5), dbSNP rs1554081732, ClinGen allele CA16024595.
Genomic context (GRCh38, chr5:112,827,204, plus strand): 5'-ACTGTGAAATGTATGGGCTTACTAATGACCACTACAGTATTACACTAAGACGATATGCTG[G>A]AATGGCTTTGACAAACTTGACTTTTGGAGATGTAGCCAACAAGGTATGTTTTTATAACAT-3'
Protein context (NP_000029.2, residues 492-512): HYSITLRRYA[Gly502Glu]MALTNLTFGD

ClinVar aggregate classification (germline): Uncertain significance (1 of 4 stars; one submission).

Conditions:
Hereditary cancer-predisposing syndrome. Also called: Tumor predisposition; Hereditary Cancer Syndrome; Hereditary neoplastic syndrome; Neoplastic Syndromes, Hereditary. Identifiers: Orphanet 140162, MedGen C0027672, MeSH D009386, MONDO:0015356.

Submission:

Ambry Genetics
Classification: Uncertain significance for Hereditary cancer-predisposing syndrome. Last evaluated: 2016-12-30. Review status: criteria provided, single submitter. Criteria: Ambry Variant Classification Scheme 2023. Collection method: clinical testing. Allele origin: germline.
Comment: The p.G502E variant (also known as c.1505G>A), located in coding exon 11 of the APC gene, results from a G to A substitution at nucleotide position 1505. The glycine at codon 502 is replaced by glutamic acid, an amino acid with similar properties. This amino acid position is highly conserved in available vertebrate species. In addition, in silico predictors for this gene do not accurately predict pathogenicity. Since supporting evidence is limited at this time, the clinical significance of this alteration remains unclear.